The following is an entry in ClinVar:

NM_002968.3(SALL1):c.472_475delinsG (p.Ser158_Ser159delinsGly)

Gene: SALL1 (spalt like transcription factor 1; minus strand). Cytogenetic location: 16q12.1.
Variant type: Indel.
Coding change: c.472_475delinsG on transcript NM_002968.3 (MANE Select); coding-DNA positions 472 to 475, AGCA replaced by G.
Protein change: p.Ser158_Ser159delinsGly.
Molecular consequence: inframe indel.
Genome position (GRCh38, 1-based): chr16:51,141,747-51,141,750, TGCT replaced by C on the plus strand (AGCA replaced by G on the coding strand, the reverse complement: SALL1 is on the minus strand). VCF-style: chr16-51141747-TGCT-C. GRCh37 (hg19) VCF-style: chr16-51175658-TGCT-C.
Other names: c.181_184delinsG, p.Ser61_Ser62delinsGly (NM_001127892.2); c.472_475delAGCAinsG, p.Ser158_Ser159delinsGly (NM_002968.2).
Identifiers: ClinVar variation 3035419 (VCV003035419.2), dbSNP rs2506497072, ClinGen allele CA2740093330.

ClinVar aggregate classification (germline): Likely benign (0 of 4 stars; one submission).

Conditions:
SALL1-related disorder. Also called: SALL1-related condition.

Submission:

PreventionGenetics, part of Exact Sciences
Classification: Likely benign for SALL1-related condition. Last evaluated: 2021-02-19. Review status: no assertion criteria provided. Collection method: clinical testing. Allele origin: germline.
Comment: This variant is classified as likely benign based on ACMG/AMP sequence variant interpretation guidelines (Richards et al. 2015 PMID: 25741868, with internal and published modifications).